The following is an entry in ClinVar:

NM_016111.4(TELO2):c.2407G>T (p.Asp803Tyr)

Gene: TELO2 (telomere maintenance 2; plus strand). Cytogenetic location: 16p13.3.
Variant type: single nucleotide variant.
Coding change: c.2407G>T on transcript NM_016111.4 (MANE Select); coding-DNA position 2407, G replaced by T.
Protein change: p.Asp803Tyr; replaces aspartic acid 803 with tyrosine.
Molecular consequence: missense variant.
Genome position (GRCh38, 1-based): chr16:1,507,716, G>T. VCF-style: chr16-1507716-G-T. GRCh37 (hg19) VCF-style: chr16-1557717-G-T.
Other names: c.2407G>T, p.Asp803Tyr (NM_001351846.2); short protein forms D803Y.
Identifiers: ClinVar variation 3325283 (VCV003325283.1).
Genomic context (GRCh38, chr16:1,507,716, plus strand): 5'-GCTGCGCGCCTGCTGGAGGACCTGATGGACGAGCTGCTGGAAGCCCGGTCCTGGCTGGCG[G>T]GTGAGTGTCGGCCTGCGGTGTGTGTGTGAGATGTGTGTCGGCCCGGGGTGTGTGTGTATG-3'
Protein context (NP_057195.2, residues 793-813): ELLEARSWLA[Asp803Tyr]VAEKDPDEDC

ClinVar aggregate classification (germline): Uncertain significance (1 of 4 stars; one submission).

Conditions:
Inborn genetic diseases. Identifiers: MedGen C0950123, MeSH D030342.

gnomAD v4.1: 44 of 1,600,736 alleles (0.0027%); highest among the groups gnomAD compares: South Asian, 0.044%; no homozygotes.

Submission:

Ambry Genetics
Classification: Uncertain significance for Inborn genetic diseases. Last evaluated: 2024-05-01. Review status: criteria provided, single submitter. Criteria: Ambry Variant Classification Scheme 2023. Collection method: clinical testing. Allele origin: germline.
Comment: Occurs in the last base pair of the exon Based on insufficient or conflicting evidence, the clinical significance of this alteration remains unclear.